The following is an entry in ClinVar:

NM_022437.3(ABCG8):c.1214G>A (p.Arg405His)

Gene: ABCG8 (ATP binding cassette subfamily G member 8; plus strand). Cytogenetic location: 2p21.
Variant type: single nucleotide variant.
Coding change: c.1214G>A on transcript NM_022437.3 (MANE Select); coding-DNA position 1214, G replaced by A.
Protein change: p.Arg405His; replaces arginine 405 with histidine.
Molecular consequence: missense variant.
Genome position (GRCh38, 1-based): chr2:43,873,789, G>A. VCF-style: chr2-43873789-G-A. GRCh37 (hg19) VCF-style: chr2-44100928-G-A.
Other names: c.1211G>A, p.Arg404His (NM_001357321.2); short protein forms R405H, R404H.
Identifiers: ClinVar variation 3720322 (VCV003720322.2).
Genomic context (GRCh38, chr2:43,873,789, plus strand): 5'-AGGGTCACGGGGCTGGTGTATGCTGTTGCCTCAGCATCTCTTCCTTTTGGTTTTTAAGTC[G>A]TCAGATTTCCAACGACTTCCGAGACCTGCCCACCCTCCTCATCCATGGGGCGGAGGCCTG-3'
Protein context (NP_071882.1, residues 395-415): AVQQFTTLIR[Arg405His]QISNDFRDLP

ClinVar aggregate classification (germline): Pathogenic (1 of 4 stars; one submission).

Submission:

Labcorp Genetics (formerly Invitae), Labcorp
Classification: Pathogenic. Last evaluated: 2024-02-23. Review status: criteria provided, single submitter. Criteria: Invitae Variant Classification Sherloc (09022015). Collection method: clinical testing. Allele origin: germline.
Comment: This sequence change replaces arginine, which is basic and polar, with histidine, which is basic and polar, at codon 405 of the ABCG8 protein (p.Arg405His). This variant is present in population databases (no rsID available, gnomAD 0.002%). This missense change has been observed in individual(s) with sitosterolemia (PMID: 11452359, 24657386). An algorithm developed to predict the effect of missense changes on protein structure and function (PolyPhen-2) suggests that this variant is likely to be disruptive. This variant disrupts the p.Arg405 amino acid residue in ABCG8. Other variant(s) that disrupt this residue have been determined to be pathogenic (PMID: 34969652). This suggests that this residue is clinically significant, and that variants that disrupt this residue are likely to be disease-causing. For these reasons, this variant has been classified as Pathogenic.

Literature cited by the submitters: PubMed 11452359; PubMed 24657386; PubMed 34969652.